The following is an entry in ClinVar:

ClinVar aggregate classification (germline): Uncertain significance. Review status: criteria provided, multiple submitters, no conflicts (2 of 4 stars). 2 submissions from 2 submitters: Uncertain significance (2). Last evaluated 2022-02-09.

Conditions:
Inborn genetic diseases. Identifiers: MedGen C0950123, MeSH D030342.

Allele frequency attached by ClinVar (database versions not stated): ExAC 0.00011; gnomAD 0.00018 and 0.00019; TOPMed 0.00021.
gnomAD v4.1: 47 of 1,548,200 alleles (0.003%); highest among the groups gnomAD compares: African/African-American, 0.06%; no homozygotes.

Submissions (2):

Labcorp Genetics (formerly Invitae), Labcorp
Classification: Uncertain significance. Last evaluated: 2022-02-09. Review status: criteria provided, single submitter. Criteria: Invitae Variant Classification Sherloc (09022015). Collection method: clinical testing. Allele origin: germline.
Comment: This sequence change replaces valine, which is neutral and non-polar, with leucine, which is neutral and non-polar, at codon 1908 of the APC2 protein (p.Val1908Leu). This variant is present in population databases (rs755099635, gnomAD 0.07%). This variant has not been reported in the literature in individuals affected with APC2-related conditions. Algorithms developed to predict the effect of missense changes on protein structure and function output the following: SIFT: "Tolerated"; PolyPhen-2: "Benign"; Align-GVGD: "Class C0". The leucine amino acid residue is found in multiple mammalian species, which suggests that this missense change does not adversely affect protein function. In summary, the available evidence is currently insufficient to determine the role of this variant in disease. Therefore, it has been classified as a Variant of Uncertain Significance.

Ambry Genetics
Classification: Uncertain significance for Inborn genetic diseases. Last evaluated: 2022-01-19. Review status: criteria provided, single submitter. Criteria: Ambry Variant Classification Scheme 2023. Collection method: clinical testing. Allele origin: germline.

NM_005883.3(APC2):c.5722G>C (p.Val1908Leu)

Genes: APC2 (APC regulator of WNT signaling pathway 2; plus strand), LOC130062956 (ATAC-STARR-seq lymphoblastoid silent region 9718; plus strand). Cytogenetic location: 19p13.3.
Variant type: single nucleotide variant.
Coding change: c.5722G>C on transcript NM_005883.3 (MANE Select); coding-DNA position 5722, G replaced by C.
Protein change: p.Val1908Leu; replaces valine 1908 with leucine.
Molecular consequence: missense variant.
Genome position (GRCh38, 1-based): chr19:1,469,023, G>C. VCF-style: chr19-1469023-G-C. GRCh37 (hg19) VCF-style: chr19-1469022-G-C.
Other names: c.5719G>C, p.Val1907Leu (NM_001351273.1); c.5722G>C (NM_005883.2); short protein forms V1907L, V1908L.
Identifiers: ClinVar variation 1397422 (VCV001397422.8), dbSNP rs755099635, ClinGen allele CA9046099.